The following is an entry in ClinVar:

NM_001130009.3(GEN1):c.2642A>T (p.His881Leu)

Gene: GEN1 (GEN1 structure-specific endonuclease; plus strand). Cytogenetic location: 2p24.2.
Variant type: single nucleotide variant.
Coding change: c.2642A>T on transcript NM_001130009.3 (MANE Select); coding-DNA position 2642, A replaced by T.
Protein change: p.His881Leu; replaces histidine 881 with leucine.
Molecular consequence: missense variant.
Genome position (GRCh38, 1-based): chr2:17,781,854, A>T. VCF-style: chr2-17781854-A-T. GRCh37 (hg19) VCF-style: chr2-17963121-A-T.
Other names: c.2642A>T, p.His881Leu (NM_182625.5); short protein forms H881L.
Identifiers: ClinVar variation 2080099 (VCV002080099.4), dbSNP rs201891945, ClinGen allele CA1540995.

ClinVar aggregate classification (germline): Uncertain significance (1 of 4 stars; one submission).

gnomAD v4.1: 2 of 1,605,242 alleles (0.00012%); highest among the groups gnomAD compares: Non-Finnish European, 0.00017%; no homozygotes.

Submission:

Labcorp Genetics (formerly Invitae), Labcorp
Classification: Uncertain significance. Last evaluated: 2023-03-07. Review status: criteria provided, single submitter. Criteria: Invitae Variant Classification Sherloc (09022015). Collection method: clinical testing. Allele origin: germline.
Comment: In summary, the available evidence is currently insufficient to determine the role of this variant in disease. Therefore, it has been classified as a Variant of Uncertain Significance. An algorithm developed to predict the effect of missense changes on protein structure and function (PolyPhen-2) suggests that this variant is likely to be tolerated. ClinVar contains an entry for this variant (Variation ID: 2080099). This variant has not been reported in the literature in individuals affected with GEN1-related conditions. This variant is present in population databases (rs201891945, gnomAD 0.002%). This sequence change replaces histidine, which is basic and polar, with leucine, which is neutral and non-polar, at codon 881 of the GEN1 protein (p.His881Leu).